The following is an entry in ClinVar:

NC_000023.10:g.(?_22117199)_(22177147_?)del

Gene: PHEX (phosphate regulating endopeptidase X-linked; plus strand). Cytogenetic location: Xp22.11.
Variant type: Deletion.
Identifiers: ClinVar variation 3246210 (VCV003246210.1).

ClinVar aggregate classification (germline): Pathogenic (1 of 4 stars; one submission).

Submission:

Labcorp Genetics (formerly Invitae), Labcorp
Classification: Pathogenic. Last evaluated: 2023-11-08. Review status: criteria provided, single submitter. Criteria: Invitae Variant Classification Sherloc (09022015). Collection method: clinical testing. Allele origin: unknown.
Comment: This variant results in the deletion of exon(s) 10-12 and part of exon 9 (c.1013_1405-9278del) of the PHEX gene. It is expected to disrupt RNA splicing. Variants that disrupt the donor or acceptor splice site typically lead to a loss of protein function (PMID: 16199547), and loss-of-function variants in PHEX are known to be pathogenic (PMID: 9097956, 9106524, 19219621). This variant has been observed in individual(s) with clinical features of X-linked hypophosphatemia (Invitae). This variant disrupts the p.Met370 amino acid residue in PHEX. Other variant(s) that disrupt this residue have been determined to be pathogenic (PMID: 18625346; Invitae). This suggests that this residue is clinically significant, and that variants that disrupt this residue are likely to be disease-causing. For these reasons, this variant has been classified as Pathogenic.

Literature cited by the submitters: PubMed 16199547; PubMed 9097956; PubMed 9106524; PubMed 19219621; PubMed 18625346.